The following is an entry in ClinVar:

NM_018896.5(CACNA1G):c.2614C>A (p.Leu872Ile)

Gene: CACNA1G (calcium voltage-gated channel subunit alpha1 G; plus strand). Cytogenetic location: 17q21.33.
Variant type: single nucleotide variant.
Coding change: c.2614C>A on transcript NM_018896.5 (MANE Select); coding-DNA position 2614, C replaced by A.
Protein change: p.Leu872Ile; replaces leucine 872 with isoleucine.
Molecular consequence: missense variant. On other transcripts: non-coding transcript variant (5).
Genome position (GRCh38, 1-based): chr17:50,591,595, C>A. VCF-style: chr17-50591595-C-A. GRCh37 (hg19) VCF-style: chr17-48668956-C-A.
Other names: c.2614C>A, p.Leu872Ile (NM_001256324.2, NM_001256325.2, NM_001256326.2 and 24 more transcripts); short protein forms L872I.
Identifiers: ClinVar variation 2664161 (VCV002664161.1), dbSNP rs2545221475, ClinGen allele CA400248822.

ClinVar aggregate classification (germline): Uncertain significance (1 of 4 stars; one submission).

Conditions:
Spinocerebellar ataxia type 42. Identifiers: Orphanet 458803, MedGen C4225205, MONDO:0014776, OMIM 616795.

Submission:

Diagnostics Services (NGS), CSIR - Centre For Cellular And Molecular Biology
Classification: Uncertain significance for Spinocerebellar ataxia type 42. Last evaluated: 2023-11-26. Review status: criteria provided, single submitter. Criteria: ACMG Guidelines, 2015. Collection method: clinical testing. Allele origin: unknown. Affected: yes. Observed: 1 variant allele, 1 heterozygote.
Comment: The c.2614C>A variant is not present in publicly available population databases like 1000 Genomes, ExAC, gnomAD, EVS, Indian Exome Database and our in-house exome database. This variant has neither been previously observed in affected individuals nor published in literature. The variant has not been reported to clinical databases like ClinVar, HGMD or OMIM. In-silico pathogenicity prediction programs like MutationTaster2, CADD, Varsome, Franklin etc predicted this variant to be deleterious, however these were not confirmed by any functional studies.